The following is an entry in ClinVar:

ClinVar aggregate classification (germline): Uncertain significance (1 of 4 stars; one submission).

Conditions:
SETD1B-related disorder. Also called: SETD1B-related condition.

Allele frequency attached by ClinVar (database versions not stated): gnomAD exomes below 0.00001.
gnomAD v4.1: 3 of 1,551,210 alleles (0.00019%); highest among the groups gnomAD compares: South Asian, 0.0012%; no homozygotes.

Submissions (2):

PreventionGenetics, part of Exact Sciences
Classification: Uncertain significance for SETD1B-related condition. Last evaluated: 2023-04-11. Review status: criteria provided, single submitter. Criteria: ACMG Guidelines, 2015. Collection method: clinical testing. Allele origin: germline.
Comment: The SETD1B c.3189G>A variant is not predicted to result in an amino acid change (p.=). This variant is predicted to introduce a cryptic splice site in exon 8 based on splicing prediction programs (Alamut Visual Plus v.1.6.1). However, splicing prediction programs are not equivalent to functional evidence. To our knowledge, this variant has not been reported in the literature or in a large population database, indicating this variant is rare. At this time, the clinical significance of this variant is uncertain due to the absence of conclusive functional and genetic evidence.

Dr. Peter K. Rogan Lab, Western University
No classification provided (evidence only). Condition: Uterine corpus endometrial carcinoma. Review status: no classification provided. Collection method: in vitro. Allele origin: not applicable. Functional consequence: retained intron. Not counted in ClinVar's aggregate classification.

NM_001353345.2(SETD1B):c.3189G>A (p.Ser1063=)

Gene: SETD1B (SET domain containing 1B, histone lysine methyltransferase; plus strand). Cytogenetic location: 12q24.31.
Variant type: single nucleotide variant.
Coding change: c.3189G>A on transcript NM_001353345.2 (MANE Select); coding-DNA position 3189, G replaced by A.
Protein change: p.Ser1063=; no amino-acid change (serine 1063 retained).
Molecular consequence: synonymous variant.
Genome position (GRCh38, 1-based): chr12:121,817,581, G>A. VCF-style: chr12-121817581-G-A. GRCh37 (hg19) VCF-style: chr12-122255487-G-A.
Other names: NC_000012.11:g.122255487G>A.
Identifiers: ClinVar variation 2633095 (VCV002633095.2), dbSNP rs1414424089, ClinGen allele CA608061438.